The following is an entry in ClinVar:

ClinVar aggregate classification (germline): Conflicting classifications of pathogenicity. Review status: criteria provided, conflicting classifications (1 of 4 stars). 3 submissions from 3 submitters: Pathogenic (2); Uncertain significance (1). Last evaluated 2022-10-13.

Conditions:
RP1-related disorder. Also called: RP1-related condition.
Retinitis pigmentosa 1 (RP1). Identifiers: Orphanet 791, MedGen C0220701, MONDO:0008377, OMIM 180100.

Submissions (3):

Labcorp Genetics (formerly Invitae), Labcorp
Classification: Uncertain significance. Last evaluated: 2022-10-13. Review status: criteria provided, single submitter. Criteria: Invitae Variant Classification Sherloc (09022015). Collection method: clinical testing. Allele origin: germline.
Comment: This variant has been observed in individual(s) with autosomal recessive retinitis pigmentosa (PMID: 31630094). In at least one individual the data is consistent with being in trans (on the opposite chromosome) from a pathogenic variant. In summary, the available evidence is currently insufficient to determine the role of this variant in disease. Therefore, it has been classified as a Variant of Uncertain Significance. Variants that disrupt the consensus splice site are a relatively common cause of aberrant splicing (PMID: 17576681, 9536098). Experimental studies and prediction algorithms are not available or were not evaluated, and the effect of this variant on mRNA splicing is currently unknown. ClinVar contains an entry for this variant (Variation ID: 1035595). This variant is present in population databases (rs779627969, gnomAD 0.004%). This variant results in the deletion of part of exon 4 (c.788-2_790del) of the RP1 gene. While this variant is not anticipated to result in nonsense mediated decay, it likely alters RNA splicing and results in a disrupted protein product.

DBGen Ocular Genomics
Classification: Pathogenic for Retinitis pigmentosa 1. Last evaluated: 2021-06-21. Review status: criteria provided, single submitter. Criteria: ACMG Guidelines, 2015. Collection method: clinical testing. Allele origin: germline. Affected: yes. Observed: 1 variant allele.

Blueprint Genetics
Classification: Pathogenic for RP1-related disorders. Last evaluated: 2020-09-01. Review status: criteria provided, single submitter. Criteria: ACMG Guidelines, 2015. Collection method: clinical testing. Allele origin: germline. Affected: yes. Observed: 2 variant alleles.

Literature cited by the submitters: PubMed 31630094 (cited by Labcorp Genetics (formerly Invitae), Labcorp); PubMed 17576681 (cited by Labcorp Genetics (formerly Invitae), Labcorp); PubMed 9536098 (cited by Labcorp Genetics (formerly Invitae), Labcorp).

NM_006269.2(RP1):c.788-2_790del

Gene: RP1 (RP1 axonemal microtubule associated; plus strand). Cytogenetic location: 8q12.1.
Variant type: Deletion.
Coding change: c.788-2_790del on transcript NM_006269.2 (MANE Select); the canonical splice acceptor site of the intron before coding-DNA position 788 through coding-DNA position 790, 5 bases deleted (AGTAA; older notation c.788-2_790delAGTAA).
Molecular consequence: splice acceptor variant. On other transcripts: intron variant (1).
Genome position (GRCh38, 1-based): chr8:54,624,668-54,624,672, AGTAA deleted; deleting any 5 consecutive bases within chr8:54,624,665-54,624,672 gives the same sequence; the c. name uses the placement nearest the transcript's 3' end. VCF-style (leftmost placement, unchanged base first): chr8-54624664-TTAAAG-T. GRCh37 (hg19) VCF-style: chr8-55537224-TTAAAG-T.
Other names: c.788-5_788-1delTAAAG (NM_006269.2); c.787+2380_787+2384del (NM_001375654.1).
Identifiers: ClinVar variation 1035595 (VCV001035595.9), dbSNP rs779627969, ClinGen allele CA4751275.
Genomic context (GRCh38, chr8:54,624,664, plus strand): 5'-TCTAACTTCTCTGCCTTCCATATTATATTTTGATGTGGGCACCTTTTACTCTTAAAATCT[TTAAAG>T]TAAGCACACATATGTCTTCAAGCTCAAGGTCCCAGATTTATTCTGTTTCTTCTGAGAAAA-3'